The following is an entry in ClinVar:

NM_001853.4(COL9A3):c.1193C>G (p.Ala398Gly)

Gene: COL9A3 (collagen type IX alpha 3 chain; plus strand). Cytogenetic location: 20q13.33.
Variant type: single nucleotide variant.
Coding change: c.1193C>G on transcript NM_001853.4 (MANE Select); coding-DNA position 1193, C replaced by G.
Protein change: p.Ala398Gly; replaces alanine 398 with glycine.
Molecular consequence: missense variant.
Genome position (GRCh38, 1-based): chr20:62,830,391, C>G. VCF-style: chr20-62830391-C-G. GRCh37 (hg19) VCF-style: chr20-61461743-C-G.
Other names: short protein forms A398G.
Identifiers: ClinVar variation 3620273 (VCV003620273.2).

ClinVar aggregate classification (germline): Uncertain significance (1 of 4 stars; one submission).

Submission:

Labcorp Genetics (formerly Invitae), Labcorp
Classification: Uncertain significance. Last evaluated: 2024-07-11. Review status: criteria provided, single submitter. Criteria: Invitae Variant Classification Sherloc (09022015). Collection method: clinical testing. Allele origin: germline.
Comment: This sequence change replaces alanine, which is neutral and non-polar, with glycine, which is neutral and non-polar, at codon 398 of the COL9A3 protein (p.Ala398Gly). This variant is not present in population databases (gnomAD no frequency). This variant has not been reported in the literature in individuals affected with COL9A3-related conditions. Advanced modeling of protein sequence and biophysical properties (such as structural, functional, and spatial information, amino acid conservation, physicochemical variation, residue mobility, and thermodynamic stability) performed at Invitae indicates that this missense variant is not expected to disrupt COL9A3 protein function with a negative predictive value of 95%. In summary, the available evidence is currently insufficient to determine the role of this variant in disease. Therefore, it has been classified as a Variant of Uncertain Significance.